The following is an entry in ClinVar:

NM_001145252.3(CFP):c.269C>T (p.Ser90Leu)

Gene: CFP (complement factor properdin; minus strand). Cytogenetic location: Xp11.23.
Variant type: single nucleotide variant.
Coding change: c.269C>T on transcript NM_001145252.3 (MANE Select); coding-DNA position 269, C replaced by T.
Protein change: p.Ser90Leu; replaces serine 90 with leucine.
Molecular consequence: missense variant.
Genome position (GRCh38, 1-based): chrX:47,628,236, G>A on the plus strand (C>T on the coding strand, the complement: CFP is on the minus strand). VCF-style: chrX-47628236-G-A. GRCh37 (hg19) VCF-style: chrX-47487635-G-A.
Other names: c.269C>T, p.Ser90Leu (NM_002621.2); short protein forms S90L.
Identifiers: ClinVar variation 2969686 (VCV002969686.4), dbSNP rs1476877032, ClinGen allele CA412839185.

ClinVar aggregate classification (germline): Uncertain significance. Review status: criteria provided, multiple submitters, no conflicts (2 of 4 stars). 2 submissions from 2 submitters: Uncertain significance (2). Last evaluated 2026-01-19.

Allele frequency attached by ClinVar (database versions not stated): TOPMed below 0.00001.
gnomAD v4.1: 3 of 1,210,548 alleles (0.00025%); highest among the groups gnomAD compares: Non-Finnish European, 0.00034%; no homozygotes.

Submissions (2):

Labcorp Genetics (formerly Invitae), Labcorp
Classification: Uncertain significance. Last evaluated: 2026-01-19. Review status: criteria provided, single submitter. Criteria: Invitae Variant Classification Sherloc (09022015). Collection method: clinical testing. Allele origin: germline.
Comment: This sequence change replaces serine, which is neutral and polar, with leucine, which is neutral and non-polar, at codon 90 of the CFP protein (p.Ser90Leu). This variant is not present in population databases (gnomAD no frequency). This variant has not been reported in the literature in individuals affected with CFP-related conditions. ClinVar contains an entry for this variant (Variation ID: 2969686). Invitae Evidence Modeling of protein sequence and biophysical properties (such as structural, functional, and spatial information, amino acid conservation, physicochemical variation, residue mobility, and thermodynamic stability) indicates that this missense variant is expected to disrupt CFP protein function with a positive predictive value of 80%. In summary, the available evidence is currently insufficient to determine the role of this variant in disease. Therefore, it has been classified as a Variant of Uncertain Significance.

Blueprint Genetics
Classification: Uncertain significance. Last evaluated: 2024-08-28. Review status: criteria provided, single submitter. Criteria: ACMG Guidelines, 2015. Collection method: clinical testing. Allele origin: germline.